The following is an entry in ClinVar:

ClinVar aggregate classification (germline): Pathogenic. Review status: criteria provided, multiple submitters, no conflicts (2 of 4 stars). 3 submissions from 3 submitters: Pathogenic (3). Last evaluated 2025-07-31.

Conditions:
Familial adenomatous polyposis 4 (FAP4). Also called: MSH3-related attenuated familial adenomatous polyposis. Identifiers: Orphanet 480536, MedGen C4310719, MONDO:0044300, OMIM 617100.
Hereditary cancer-predisposing syndrome. Also called: Hereditary neoplastic syndrome; Neoplastic Syndromes, Hereditary; Tumor predisposition; Hereditary Cancer Syndrome. Identifiers: Orphanet 140162, MedGen C0027672, MeSH D009386, MONDO:0015356.

Allele frequency attached by ClinVar (database versions not stated): TOPMed below 0.00001.

Submissions (3):

Labcorp Genetics (formerly Invitae), Labcorp
Classification: Pathogenic. Last evaluated: 2025-07-31. Review status: criteria provided, single submitter. Criteria: Invitae Variant Classification Sherloc (09022015). Collection method: clinical testing. Allele origin: germline.
Comment: This sequence change creates a premature translational stop signal (p.Gln235Leufs*20) in the MSH3 gene. It is expected to result in an absent or disrupted protein product. Loss-of-function variants in MSH3 are known to be pathogenic (PMID: 27476653, 37402566). This variant is not present in population databases (gnomAD no frequency). This variant has not been reported in the literature in individuals affected with MSH3-related conditions. ClinVar contains an entry for this variant (Variation ID: 946435). For these reasons, this variant has been classified as Pathogenic.

Ambry Genetics
Classification: Pathogenic for Hereditary cancer-predisposing syndrome. Last evaluated: 2024-09-11. Review status: criteria provided, single submitter. Criteria: Ambry Variant Classification Scheme 2023. Collection method: clinical testing. Allele origin: germline.
Comment: The c.704_705delAA pathogenic mutation, located in coding exon 4 of the MSH3 gene, results from a deletion of two nucleotides at nucleotide positions 704 to 705, causing a translational frameshift with a predicted alternate stop codon (p.Q235Lfs*20). This variant is considered to be rare based on population cohorts in the Genome Aggregation Database (gnomAD). This alteration is expected to result in loss of function by premature protein truncation or nonsense-mediated mRNA decay. As such, this alteration is interpreted as a disease-causing mutation.

Myriad Genetics, Inc.
Classification: Pathogenic for Familial adenomatous polyposis 4. Last evaluated: 2024-07-10. Review status: criteria provided, single submitter. Criteria: Myriad Autosomal Dominant, Autosomal Recessive and X-Linked Classification Criteria (2023). Collection method: clinical testing. Allele origin: unknown.
Comment: This variant is considered pathogenic. This variant creates a frameshift predicted to result in premature protein truncation.

Literature cited by the submitters: PubMed 27476653 (cited by Labcorp Genetics (formerly Invitae), Labcorp); PubMed 37402566 (cited by Labcorp Genetics (formerly Invitae), Labcorp).

NM_002439.5(MSH3):c.704_705del (p.Gln235fs)

Gene: MSH3 (mutS homolog 3; plus strand). Cytogenetic location: 5q14.1.
Variant type: Deletion.
Coding change: c.704_705del on transcript NM_002439.5 (MANE Select); coding-DNA positions 704 to 705, 2 bases deleted (AA; older notation c.704_705delAA).
Protein change: p.Gln235fs; shifts the reading frame from glutamine 235.
Molecular consequence: frameshift variant.
Genome position (GRCh38, 1-based): chr5:80,670,221-80,670,222, AA deleted. VCF-style (leftmost placement, unchanged base first): chr5-80670220-CAA-C. GRCh37 (hg19) VCF-style: chr5-79966039-CAA-C.
Other names: c.704_705delAA (NM_002439.3); short protein forms Q235fs.
Identifiers: ClinVar variation 946435 (VCV000946435.9), dbSNP rs1749674216, ClinGen allele CA1139658925.